The following is an entry in ClinVar:

NM_020297.4(ABCC9):c.2591G>A (p.Arg864Lys)

Gene: ABCC9 (ATP binding cassette subfamily C member 9; minus strand). Cytogenetic location: 12p12.1.
Variant type: single nucleotide variant.
Coding change: c.2591G>A on transcript NM_020297.4 (MANE Select); coding-DNA position 2591, G replaced by A.
Protein change: p.Arg864Lys; replaces arginine 864 with lysine.
Molecular consequence: missense variant.
Genome position (GRCh38, 1-based): chr12:21,852,420, C>T on the plus strand (G>A on the coding strand, the complement: ABCC9 is on the minus strand). VCF-style: chr12-21852420-C-T. GRCh37 (hg19) VCF-style: chr12-22005354-C-T.
Other names: c.2591G>A (NM_005691.2); c.2591G>A, p.Arg864Lys (NM_001377273.1, NM_005691.4); c.1724G>A, p.Arg575Lys (NM_001377274.1); short protein forms R864K, R575K.
Identifiers: ClinVar variation 656428 (VCV000656428.11), dbSNP rs1592071215, ClinGen allele CA384125468.

ClinVar aggregate classification (germline): Uncertain significance. Review status: criteria provided, multiple submitters, no conflicts (2 of 4 stars). 2 submissions from 2 submitters: Uncertain significance (2). Last evaluated 2025-12-29.

Conditions:
Cardiovascular phenotype. Identifiers: MedGen CN230736.
Dilated cardiomyopathy 1O (CMD1O). Also called: CARDIOMYOPATHY, DILATED, WITH VENTRICULAR TACHYCARDIA. Identifiers: Orphanet 154, MedGen C1837839, MONDO:0012062, OMIM 608569.

Allele frequency attached by ClinVar (database versions not stated): TOPMed 0.00001.

Submissions (2):

Labcorp Genetics (formerly Invitae), Labcorp
Classification: Uncertain significance for Dilated cardiomyopathy 1O. Last evaluated: 2025-12-29. Review status: criteria provided, single submitter. Criteria: Invitae Variant Classification Sherloc (09022015). Collection method: clinical testing. Allele origin: germline.
Comment: This sequence change replaces arginine, which is basic and polar, with lysine, which is basic and polar, at codon 864 of the ABCC9 protein (p.Arg864Lys). This variant is not present in population databases (gnomAD no frequency). This variant has not been reported in the literature in individuals affected with ABCC9-related conditions. ClinVar contains an entry for this variant (Variation ID: 656428). Invitae Evidence Modeling of protein sequence and biophysical properties (such as structural, functional, and spatial information, amino acid conservation, physicochemical variation, residue mobility, and thermodynamic stability) indicates that this missense variant is expected to disrupt ABCC9 protein function with a positive predictive value of 95%. In summary, the available evidence is currently insufficient to determine the role of this variant in disease. Therefore, it has been classified as a Variant of Uncertain Significance.

Ambry Genetics
Classification: Uncertain significance for Cardiovascular phenotype. Last evaluated: 2025-07-03. Review status: criteria provided, single submitter. Criteria: Ambry Variant Classification Scheme 2023. Collection method: clinical testing. Allele origin: germline.
Comment: The p.R864K variant (also known as c.2591G>A), located in coding exon 21 of the ABCC9 gene, results from a G to A substitution at nucleotide position 2591. The arginine at codon 864 is replaced by lysine, an amino acid with highly similar properties. This amino acid position is highly conserved in available vertebrate species. In addition, the in silico prediction for this alteration is inconclusive. Based on the available evidence, the clinical significance of this variant remains unclear.